The following is an entry in ClinVar:

NM_001374736.1(DST):c.15028C>G (p.Leu5010Val)

Gene: DST (dystonin; minus strand). Cytogenetic location: 6p12.1.
Variant type: single nucleotide variant.
Coding change: c.15028C>G on transcript NM_001374736.1 (MANE Select); coding-DNA position 15028, C replaced by G.
Protein change: p.Leu5010Val; replaces leucine 5010 with valine.
Molecular consequence: missense variant.
Genome position (GRCh38, 1-based): chr6:56,555,453, G>C on the plus strand (C>G on the coding strand, the complement: DST is on the minus strand). VCF-style: chr6-56555453-G-C. GRCh37 (hg19) VCF-style: chr6-56420251-G-C.
Other names: c.8671C>G, p.Leu2891Val (NM_001144769.5); c.8257C>G, p.Leu2753Val (NM_001144770.2); c.15028C>G, p.Leu5010Val (NM_001374722.1); c.14395C>G, p.Leu4799Val (NM_001374729.1); c.8137C>G, p.Leu2713Val (NM_001374730.1, NM_001386100.1, NM_183380.4); c.15055C>G, p.Leu5019Val (NM_001374734.1); c.7159C>G, p.Leu2387Val (NM_015548.5); short protein forms L4799V, L5010V, L2713V, L2891V, L2387V, L2753V, L5019V.
Identifiers: ClinVar variation 1389823 (VCV001389823.8), dbSNP rs2152559713, ClinGen allele CA364518663.

ClinVar aggregate classification (germline): Uncertain significance (1 of 4 stars; one submission).

Conditions:
Hereditary sensory and autonomic neuropathy type 6. Also called: HSAN VI; Neuropathy, hereditary sensory and autonomic, type VI. Identifiers: Orphanet 314381, MedGen C3539003, MONDO:0013839, OMIM 614653.
Epidermolysis bullosa simplex 3, localized or generalized intermediate, with BP230 deficiency (EBS3). Also called: Epidermolysis bullosa simplex due to BP230 deficiency; Epidermolysis bullosa simplex, autosomal recessive 2. Identifiers: Orphanet 412181, MedGen C3809470, MONDO:0014180, OMIM 615425.

Submission:

Labcorp Genetics (formerly Invitae), Labcorp
Classification: Uncertain significance for Epidermolysis bullosa simplex 3, localized or generalized intermediate, with BP230 deficiency; Hereditary sensory and autonomic neuropathy type 6. Last evaluated: 2022-07-12. Review status: criteria provided, single submitter. Criteria: Invitae Variant Classification Sherloc (09022015). Collection method: clinical testing. Allele origin: germline.
Comment: In summary, the available evidence is currently insufficient to determine the role of this variant in disease. Therefore, it has been classified as a Variant of Uncertain Significance. Experimental studies and prediction algorithms are not available or were not evaluated, and the functional significance of this variant is currently unknown. This variant has not been reported in the literature in individuals affected with DST-related conditions. This variant is not present in population databases (gnomAD no frequency). This sequence change replaces leucine, which is neutral and non-polar, with valine, which is neutral and non-polar, at codon 2387 of the DST protein (p.Leu2387Val). The DST gene has multiple clinically relevant transcripts. This variant occurs in alternate transcript NM_015548.4, and corresponds to NM_001723.5:c.*60064C>G in the primary transcript.